The following is an entry in ClinVar:

ClinVar aggregate classification (germline): Uncertain significance (1 of 4 stars; one submission).

Submission:

Labcorp Genetics (formerly Invitae), Labcorp
Classification: Uncertain significance. Last evaluated: 2025-03-24. Review status: criteria provided, single submitter. Criteria: Invitae Variant Classification Sherloc (09022015). Collection method: clinical testing. Allele origin: germline.
Comment: This sequence change replaces glutamine, which is neutral and polar, with lysine, which is basic and polar, at codon 2401 of the HIVEP2 protein (p.Gln2401Lys). This variant is not present in population databases (gnomAD no frequency). This variant has not been reported in the literature in individuals affected with HIVEP2-related conditions. An algorithm developed to predict the effect of missense changes on protein structure and function (PolyPhen-2) suggests that this variant is likely to be disruptive. In summary, the available evidence is currently insufficient to determine the role of this variant in disease. Therefore, it has been classified as a Variant of Uncertain Significance.

NM_006734.4(HIVEP2):c.7201C>A (p.Gln2401Lys)

Gene: HIVEP2 (HIVEP zinc finger 2; minus strand). Cytogenetic location: 6q24.2.
Variant type: single nucleotide variant.
Coding change: c.7201C>A on transcript NM_006734.4 (MANE Select); coding-DNA position 7201, C replaced by A.
Protein change: p.Gln2401Lys; replaces glutamine 2401 with lysine.
Molecular consequence: missense variant.
Genome position (GRCh38, 1-based): chr6:142,753,247, G>T on the plus strand (C>A on the coding strand, the complement: HIVEP2 is on the minus strand). VCF-style: chr6-142753247-G-T. GRCh37 (hg19) VCF-style: chr6-143074384-G-T.
Other names: c.7201C>A, p.Gln2401Lys (NM_001438449.1, NM_001438450.1, NM_001438451.1); short protein forms Q2401K.
Identifiers: ClinVar variation 4711124 (VCV004711124.1).
Genomic context (GRCh38, chr6:142,753,247, plus strand): 5'-CCAACTGCTTGTCATCCACACAACTCTTGCTGTAAAACGTGGAGTGAGCTAATGGAGTCT[G>T]TGATGTACCAAAATTGTCCTTTTCACCATCATGCAAGTCAGGGTGGGTGGCTGAGGTACA-3'
Protein context (NP_006725.3, residues 2391-2411): DGEKDNFGTS[Gln2401Lys]TPLAHSTFYS